The following is an entry in ClinVar:

NM_000138.5(FBN1):c.2792G>A (p.Gly931Glu)

Gene: FBN1 (fibrillin 1; minus strand). Cytogenetic location: 15q21.1.
Variant type: single nucleotide variant.
Coding change: c.2792G>A on transcript NM_000138.5 (MANE Select); coding-DNA position 2792, G replaced by A.
Protein change: p.Gly931Glu; replaces glycine 931 with glutamic acid.
Molecular consequence: missense variant.
Genome position (GRCh38, 1-based): chr15:48,492,523, C>T on the plus strand (G>A on the coding strand, the complement: FBN1 is on the minus strand). VCF-style: chr15-48492523-C-T. GRCh37 (hg19) VCF-style: chr15-48784720-C-T.
Other names: short protein forms G931E.
Identifiers: ClinVar variation 1198394 (VCV001198394.4), dbSNP rs200078617, ClinGen allele CA392330655.
Genomic context (GRCh38, chr15:48,492,523, plus strand): 5'-AGACAGATCCTTCCTGTGGCATCCAAAGTCATTCCACTGGGACACTGACACTTGAATGAC[C>T]CCCTAGTGTTAACACACAGGCCATTTTTACACACTCCTGGGAACACTTCACATTCATCTA-3'
Protein context (NP_000129.3, residues 921-941): CKNGLCVNTR[Gly931Glu]SFKCQCPSGM

ClinVar aggregate classification (germline): Uncertain significance. Review status: criteria provided, multiple submitters, no conflicts (2 of 4 stars). 3 submissions from 3 submitters: Uncertain significance (3). Last evaluated 2022-02-12.

gnomAD v4.1: 1 of 1,612,056 alleles (0.000062%); highest among the groups gnomAD compares: Non-Finnish European, 0.000085%; no homozygotes.

Submissions (3):

AiLife Diagnostics
Classification: Uncertain significance. Last evaluated: 2022-02-12. Review status: criteria provided, single submitter. Criteria: ACMG Guidelines, 2015. Collection method: clinical testing. Allele origin: germline. Affected: yes. Observed: 1 variant allele.

GeneDx
Classification: Uncertain significance. Last evaluated: 2020-07-31. Review status: criteria provided, single submitter. Criteria: GeneDx Variant Classification Process June 2021. Collection method: clinical testing. Allele origin: germline. Affected: yes.
Comment: Has not been previously published as pathogenic or benign to our knowledge; In silico analysis supports that this missense variant has a deleterious effect on protein structure/function; Not observed in large population cohorts (Lek et al., 2016); Although located in a calcium-binding EGF-like domain of the FBN1 gene, it does not affect a cysteine residue within this domain; cysteine substitutions in the calcium-binding EGF-like domains represent the majority of pathogenic missense changes associated with FBN1-related disorders (Collod-Beroud et al., 2003)

Blueprint Genetics
Classification: Uncertain significance. Last evaluated: 2019-06-07. Review status: criteria provided, single submitter. Criteria: ACMG Guidelines, 2015. Collection method: clinical testing. Allele origin: germline.